The following is an entry in ClinVar:

NM_024422.6(DSC2):c.1264-4G>A

Gene: DSC2 (desmocollin 2; minus strand). Cytogenetic location: 18q12.1.
Variant type: single nucleotide variant.
Coding change: c.1264-4G>A on transcript NM_024422.6 (MANE Select); 4 bases into the intron before coding-DNA position 1264, G replaced by A.
Molecular consequence: intron variant.
Genome position (GRCh38, 1-based): chr18:31,080,356, C>T on the plus strand (G>A on the coding strand, the complement: DSC2 is on the minus strand). VCF-style: chr18-31080356-C-T. GRCh37 (hg19) VCF-style: chr18-28660322-C-T.
Other names: c.1264-4G>A (NM_004949.5).
Identifiers: ClinVar variation 222560 (VCV000222560.15), dbSNP rs377439942, ClinGen allele CA030692.

ClinVar aggregate classification (germline): Conflicting classifications of pathogenicity. Review status: criteria provided, conflicting classifications (1 of 4 stars). 5 submissions from 5 submitters: Uncertain significance (1); Benign (1); Likely benign (3). Last evaluated 2025-06-10.

Conditions:
Cardiomyopathy (CMYO). Also called: Cardiomyopathies. Identifiers: Orphanet 167848, MedGen C0878544, MONDO:0004994, HP:0001638. Inheritance: Various modes of inheritance.
Arrhythmogenic right ventricular dysplasia 11. Also called: Arrhythmogenic Right Ventricular Dysplasia/Cardiomyopathy11; Arrhythmogenic right ventricular dysplasia 11 with mild palmoplantar keratoderma and woolly hair; ARRHYTHMOGENIC RIGHT VENTRICULAR DYSPLASIA, FAMILIAL, 11. Identifiers: MedGen C1864850, MONDO:0012506, OMIM 610476.
Cardiovascular phenotype. Identifiers: MedGen CN230736.

Allele frequency attached by ClinVar (database versions not stated): gnomAD exomes 0.00001 and 0.00002; ExAC 0.00002; gnomAD 0.00003; TOPMed 0.00003; ESP Exome Variant Server 0.00008.
gnomAD v4.1: 26 of 1,613,038 alleles (0.0016%); highest among the groups gnomAD compares: African/African-American, 0.004%; no homozygotes.

Submissions (5):

Labcorp Genetics (formerly Invitae), Labcorp
Classification: Likely benign for Arrhythmogenic right ventricular dysplasia 11. Last evaluated: 2025-06-10. Review status: criteria provided, single submitter. Criteria: Invitae Variant Classification Sherloc (09022015). Collection method: clinical testing. Allele origin: germline.

Blueprint Genetics
Classification: Uncertain significance. Last evaluated: 2024-05-28. Review status: criteria provided, single submitter. Criteria: ACMG Guidelines, 2015. Collection method: clinical testing. Allele origin: germline.

Ambry Genetics
Classification: Benign for Cardiovascular phenotype. Last evaluated: 2023-05-17. Review status: criteria provided, single submitter. Criteria: Ambry Variant Classification Scheme 2023. Collection method: clinical testing. Allele origin: germline.

Color Diagnostics, LLC DBA Color Health
Classification: Likely benign for Cardiomyopathy. Last evaluated: 2019-11-05. Review status: criteria provided, single submitter. Criteria: ACMG Guidelines, 2015. Collection method: clinical testing. Allele origin: germline.

GeneDx
Classification: Likely benign. Last evaluated: 2017-11-15. Review status: criteria provided, single submitter. Criteria: GeneDx Variant Classification (06012015). Collection method: clinical testing. Allele origin: germline. Affected: yes.
Comment: This variant is considered likely benign or benign based on one or more of the following criteria: it is a conservative change, it occurs at a poorly conserved position in the protein, it is predicted to be benign by multiple in silico algorithms, and/or has population frequency not consistent with disease.